The following is an entry in ClinVar:

ClinVar aggregate classification (germline): Benign/Likely benign. Review status: criteria provided, multiple submitters, no conflicts (2 of 4 stars). 8 submissions from 8 submitters: Benign (1); Likely benign (6). 1 of the submissions does not count toward it. Last evaluated 2026-01-12.

Conditions:
Hereditary nonpolyposis colorectal neoplasms. Identifiers: MedGen C0009405, MeSH D003123.
Hereditary cancer-predisposing syndrome. Also called: Neoplastic Syndromes, Hereditary; Tumor predisposition; Hereditary Cancer Syndrome; Hereditary neoplastic syndrome. Identifiers: Orphanet 140162, MedGen C0027672, MeSH D009386, MONDO:0015356.
Lynch syndrome. Identifiers: Orphanet 144, MedGen C4552100, MONDO:0005835. Disease mechanism: loss of function.
Lynch syndrome 5 (LYNCH5). Also called: Colorectal cancer, hereditary nonpolyposis, type 5; Hereditary non-polyposis colorectal cancer, type 5. Identifiers: Orphanet 144, MedGen C1833477, MONDO:0013710, OMIM 614350. Disease mechanism: loss of function.

Allele frequency attached by ClinVar (database versions not stated): TOPMed below 0.00001; gnomAD exomes 0.00002.

Submissions (8):

Labcorp Genetics (formerly Invitae), Labcorp
Classification: Likely benign for Hereditary nonpolyposis colorectal neoplasms. Last evaluated: 2026-01-12. Review status: criteria provided, single submitter. Criteria: Invitae Variant Classification Sherloc (09022015). Collection method: clinical testing. Allele origin: germline.

All of Us Research Program, National Institutes of Health
Classification: Likely benign for Lynch syndrome. Last evaluated: 2024-05-30. Review status: criteria provided, single submitter. Criteria: ACMG Guidelines, 2015. Collection method: clinical testing. Allele origin: germline. Inheritance: Autosomal dominant inheritance. Observed: 3 variant alleles, 3 heterozygotes.
Comment: This study involves interpretation of variants in research participants for the purpose of population health screening. Participant phenotype was not available at the time of variant classification. Additional details can be found in publication PMID: 35346344, PMCID: PMC8962531

Myriad Genetics, Inc.
Classification: Benign for Lynch syndrome 5. Last evaluated: 2023-03-27. Review status: criteria provided, single submitter. Criteria: Myriad Autosomal Dominant, Autosomal Recessive and X-Linked Classification Criteria (2023). Collection method: clinical testing. Allele origin: unknown.
Comment: This variant is considered benign. This variant is a silent/synonymous amino acid change and it is not expected to impact splicing.

Quest Diagnostics Nichols Institute San Juan Capistrano
Classification: Likely benign. Last evaluated: 2022-09-27. Review status: criteria provided, single submitter. Criteria: Quest Diagnostics criteria. Collection method: clinical testing. Allele origin: unknown.

GeneDx
Classification: Likely benign. Last evaluated: 2018-10-15. Review status: criteria provided, single submitter. Criteria: GeneDx Variant Classification Process June 2021. Collection method: clinical testing. Allele origin: germline. Affected: yes.

Color Diagnostics, LLC DBA Color Health
Classification: Likely benign for Hereditary cancer-predisposing syndrome. Last evaluated: 2017-08-02. Review status: criteria provided, single submitter. Criteria: ACMG Guidelines, 2015. Collection method: clinical testing. Allele origin: germline.

Ambry Genetics
Classification: Likely benign for Hereditary cancer-predisposing syndrome. Last evaluated: 2015-04-21. Review status: criteria provided, single submitter. Criteria: Ambry Variant Classification Scheme 2023. Collection method: clinical testing. Allele origin: germline.

Counsyl
Classification: Likely benign for Lynch syndrome 5. Last evaluated: 2016-03-03. Review status: no assertion criteria provided. Collection method: clinical testing. Allele origin: unknown. Not counted in ClinVar's aggregate classification.

NM_000179.3(MSH6):c.4062G>T (p.Leu1354=)

Gene: MSH6 (mutS homolog 6; plus strand). Cytogenetic location: 2p16.3.
Variant type: single nucleotide variant.
Coding change: c.4062G>T on transcript NM_000179.3 (MANE Select); coding-DNA position 4062, G replaced by T.
Protein change: p.Leu1354=; no amino-acid change (leucine 1354 retained).
Molecular consequence: synonymous variant.
Genome position (GRCh38, 1-based): chr2:47,806,839, G>T. VCF-style: chr2-47806839-G-T. GRCh37 (hg19) VCF-style: chr2-48033978-G-T.
Other names: c.3672G>T, p.Leu1224= (NM_001281492.2); c.3156G>T, p.Leu1052= (NM_001281493.2, NM_001281494.2).
Identifiers: ClinVar variation 231353 (VCV000231353.29), dbSNP rs863224335, ClinGen allele CA10578177.
Genomic context (GRCh38, chr2:47,806,839, plus strand): 5'-GGAAGTTTGCCTGGCTAGTGAAAGGTCAACTGTAGATGCTGAAGCTGTCCATAAATTGCT[G>T]ACTTTGATTAAGGAATTATAGACTGACTACATTGGAAGCTTTGAGTTGACTTCTGACAAA-3'
Protein context (NP_000170.1, residues 1344-1360): TVDAEAVHKL[Leu1354=]TLIKEL